The following is an entry in ClinVar:

ClinVar aggregate classification (germline): Uncertain significance (1 of 4 stars; one submission).

Conditions:
RASopathy. Also called: rasopathies; Noonan spectrum disorder. Identifiers: Orphanet 536391, MedGen C5555857, MONDO:0021060.

Submission:

Labcorp Genetics (formerly Invitae), Labcorp
Classification: Uncertain significance for RASopathy. Last evaluated: 2024-12-04. Review status: criteria provided, single submitter. Criteria: Invitae Variant Classification Sherloc (09022015). Collection method: clinical testing. Allele origin: germline.
Comment: This sequence change replaces aspartic acid, which is acidic and polar, with glutamic acid, which is acidic and polar, at codon 86 of the CBL protein (p.Asp86Glu). This variant is not present in population databases (gnomAD no frequency). This variant has not been reported in the literature in individuals affected with CBL-related conditions. Invitae Evidence Modeling of protein sequence and biophysical properties (such as structural, functional, and spatial information, amino acid conservation, physicochemical variation, residue mobility, and thermodynamic stability) indicates that this missense variant is not expected to disrupt CBL protein function with a negative predictive value of 95%. In summary, the available evidence is currently insufficient to determine the role of this variant in disease. Therefore, it has been classified as a Variant of Uncertain Significance.

NM_005188.4(CBL):c.258C>A (p.Asp86Glu)

Gene: CBL (Cbl proto-oncogene; plus strand). Cytogenetic location: 11q23.3.
Variant type: single nucleotide variant.
Coding change: c.258C>A on transcript NM_005188.4 (MANE Select); coding-DNA position 258, C replaced by A.
Protein change: p.Asp86Glu; replaces aspartic acid 86 with glutamic acid.
Molecular consequence: missense variant.
Genome position (GRCh38, 1-based): chr11:119,232,510, C>A. VCF-style: chr11-119232510-C-A. GRCh37 (hg19) VCF-style: chr11-119103220-C-A.
Other names: short protein forms D86E.
Identifiers: ClinVar variation 3680732 (VCV003680732.2).
Genomic context (GRCh38, chr11:119,232,510, plus strand): 5'-GGTGCGGTTGTGTCAGAACCCAAAGCTGGCGCTAAAGAATAGCCCACCTTATATCTTAGA[C>A]CTGCTACCAGATACCTACCAGCATCTCCGTACTATCTTGTCAAGATATGAGGGGAAGATG-3'
Protein context (NP_005179.2, residues 76-96): ALKNSPPYIL[Asp86Glu]LLPDTYQHLR